The following is an entry in ClinVar:

NM_001846.4(COL4A2):c.*417C>G

Gene: COL4A2 (collagen type IV alpha 2 chain; plus strand). Cytogenetic location: 13q34.
Variant type: single nucleotide variant.
Coding change: c.*417C>G on transcript NM_001846.4 (MANE Select); 417 bases downstream of the stop codon, C replaced by G.
Molecular consequence: 3 prime UTR variant.
Genome position (GRCh38, 1-based): chr13:110,512,608, C>G. VCF-style: chr13-110512608-C-G. GRCh37 (hg19) VCF-style: chr13-111164955-C-G.
Identifiers: ClinVar variation 311205 (VCV000311205.6), dbSNP rs10509, ClinGen allele CA10639029.

ClinVar aggregate classification (germline): Benign. Review status: criteria provided, multiple submitters, no conflicts (2 of 4 stars). 2 submissions from 2 submitters: Benign (2). Last evaluated 2018-01-12.

Conditions:
Brain small vessel disease 2A, autosomal dominant. Also called: Porencephaly 2. Identifiers: Orphanet 2940, Orphanet 99810, MedGen C3280970, MONDO:0013773, OMIM 614483.

Allele frequency attached by ClinVar (database versions not stated): TOPMed 0.86724; gnomAD 0.87295 and 0.87704; 1000 Genomes Project 0.88678; gnomAD exomes 0.91123.
gnomAD v4.1: 159,168 of 180,346 alleles (88%); highest among the groups gnomAD compares: South Asian, 95%; 70,520 homozygotes.

Submissions (2):

Illumina Laboratory Services, Illumina
Classification: Benign for Brain small vessel disease 2A, autosomal dominant. Last evaluated: 2018-01-12. Review status: criteria provided, single submitter. Criteria: ICSL Variant Classification Criteria 13 December 2019. Collection method: clinical testing. Allele origin: germline.
Comment: This variant was observed in the ICSL laboratory as part of a predisposition screen in an ostensibly healthy population. It had not been previously curated by ICSL or reported in the Human Gene Mutation Database (HGMD: prior to June 1st, 2018), and was therefore a candidate for classification through an automated scoring system. Utilizing variant allele frequency, disease prevalence and penetrance estimates, and inheritance mode, an automated score was calculated to assess if this variant is too frequent to cause the disease. Based on the score and internal cut-off values, a variant classified as benign is not then subjected to further curation. The score for this variant resulted in a classification of benign for this disease.

Breakthrough Genomics
Classification: Benign. Review status: criteria provided, single submitter. Criteria: ACMG Guidelines, 2015. Collection method: not provided. Allele origin: germline. Inheritance: Autosomal dominant inheritance. Affected: yes.